The following is an entry in ClinVar:

ClinVar aggregate classification (germline): Uncertain significance (1 of 4 stars; one submission).

Conditions:
Hyperammonemia, type III (NAGSD). Also called: Hyperammonemia due to N-acetylglutamate synthase deficiency. Identifiers: Orphanet 927, MedGen C0268543, MONDO:0009377, OMIM 237310.

Allele frequency attached by ClinVar (database versions not stated): TOPMed 0.00003; gnomAD 0.00005.
gnomAD v4.1: 40 of 1,613,266 alleles (0.0025%); highest among the groups gnomAD compares: Non-Finnish European, 0.0031%; no homozygotes.

Submission:

Labcorp Genetics (formerly Invitae), Labcorp
Classification: Uncertain significance for Hyperammonemia, type III. Last evaluated: 2024-10-24. Review status: criteria provided, single submitter. Criteria: Invitae Variant Classification Sherloc (09022015). Collection method: clinical testing. Allele origin: germline.
Comment: This sequence change replaces phenylalanine, which is neutral and non-polar, with leucine, which is neutral and non-polar, at codon 292 of the NAGS protein (p.Phe292Leu). This variant is present in population databases (no rsID available, gnomAD 0.003%). This variant has not been reported in the literature in individuals affected with NAGS-related conditions. ClinVar contains an entry for this variant (Variation ID: 2165742). Invitae Evidence Modeling of protein sequence and biophysical properties (such as structural, functional, and spatial information, amino acid conservation, physicochemical variation, residue mobility, and thermodynamic stability) indicates that this missense variant is not expected to disrupt NAGS protein function with a negative predictive value of 80%. In summary, the available evidence is currently insufficient to determine the role of this variant in disease. Therefore, it has been classified as a Variant of Uncertain Significance.

NM_153006.3(NAGS):c.876C>G (p.Phe292Leu)

Gene: NAGS (N-acetylglutamate synthase; plus strand). Cytogenetic location: 17q21.31.
Variant type: single nucleotide variant.
Coding change: c.876C>G on transcript NM_153006.3 (MANE Select); coding-DNA position 876, C replaced by G.
Protein change: p.Phe292Leu; replaces phenylalanine 292 with leucine.
Molecular consequence: missense variant.
Genome position (GRCh38, 1-based): chr17:44,006,198, C>G. VCF-style: chr17-44006198-C-G. GRCh37 (hg19) VCF-style: chr17-42083566-C-G.
Other names: short protein forms F292L.
Identifiers: ClinVar variation 2165742 (VCV002165742.2), dbSNP rs978738847, ClinGen allele CA290852886.
Genomic context (GRCh38, chr17:44,006,198, plus strand): 5'-CGACTCCCTGGAGGTGACCGCGTCGCTGGCCAAGGCGCTGCGGCCCACCAAAATCATCTT[C>G]CTCAATAACACAGGCGGCCTGCGCGACAGCAGTCATAAGGTGCGGCCCTTTCTTTCACCT-3'
Protein context (NP_694551.1, residues 282-302): AKALRPTKII[Phe292Leu]LNNTGGLRDS